The following is an entry in ClinVar:

NM_013432.5(TONSL):c.695C>T (p.Ala232Val)

Gene: TONSL (tonsoku like, DNA repair protein; minus strand). Cytogenetic location: 8q24.3.
Variant type: single nucleotide variant.
Coding change: c.695C>T on transcript NM_013432.5 (MANE Select); coding-DNA position 695, C replaced by T.
Protein change: p.Ala232Val; replaces alanine 232 with valine.
Molecular consequence: missense variant.
Genome position (GRCh38, 1-based): chr8:144,442,296, G>A on the plus strand (C>T on the coding strand, the complement: TONSL is on the minus strand). VCF-style: chr8-144442296-G-A. GRCh37 (hg19) VCF-style: chr8-145667679-G-A.
Other names: c.695C>T (NM_013432.4); short protein forms A232V.
Identifiers: ClinVar variation 2161292 (VCV002161292.2), dbSNP rs368498512, ClinGen allele CA187676495.

ClinVar aggregate classification (germline): Uncertain significance. Review status: criteria provided, multiple submitters, no conflicts (2 of 4 stars). 2 submissions from 2 submitters: Uncertain significance (2). Last evaluated 2022-03-19.

Conditions:
Inborn genetic diseases. Identifiers: MedGen C0950123, MeSH D030342.

Allele frequency attached by ClinVar (database versions not stated): TOPMed 0.00002; gnomAD exomes 0.00005; ESP Exome Variant Server 0.00008.
gnomAD v4.1: 74 of 1,598,270 alleles (0.0046%); highest among the groups gnomAD compares: Non-Finnish European, 0.0056%; no homozygotes.

Submissions (2):

Labcorp Genetics (formerly Invitae), Labcorp
Classification: Uncertain significance. Last evaluated: 2022-03-19. Review status: criteria provided, single submitter. Criteria: Invitae Variant Classification Sherloc (09022015). Collection method: clinical testing. Allele origin: germline.
Comment: This sequence change replaces alanine, which is neutral and non-polar, with valine, which is neutral and non-polar, at codon 232 of the TONSL protein (p.Ala232Val). The frequency data for this variant in the population databases is considered unreliable, as metrics indicate poor data quality at this position in the gnomAD database. This variant has not been reported in the literature in individuals affected with TONSL-related conditions. Algorithms developed to predict the effect of missense changes on protein structure and function are either unavailable or do not agree on the potential impact of this missense change (SIFT: "Deleterious"; PolyPhen-2: "Probably Damaging"; Align-GVGD: "Class C0"). In summary, the available evidence is currently insufficient to determine the role of this variant in disease. Therefore, it has been classified as a Variant of Uncertain Significance.

Ambry Genetics
Classification: Uncertain significance for Inborn genetic diseases. Last evaluated: 2021-09-17. Review status: criteria provided, single submitter. Criteria: Ambry Variant Classification Scheme 2023. Collection method: clinical testing. Allele origin: germline.